The following is an entry in ClinVar:

NM_000240.4(MAOA):c.1039C>T (p.Pro347Ser)

Gene: MAOA (monoamine oxidase A; plus strand). Cytogenetic location: Xp11.3.
Variant type: single nucleotide variant.
Coding change: c.1039C>T on transcript NM_000240.4 (MANE Select); coding-DNA position 1039, C replaced by T.
Protein change: p.Pro347Ser; replaces proline 347 with serine.
Molecular consequence: missense variant.
Genome position (GRCh38, 1-based): chrX:43,732,782, C>T. VCF-style: chrX-43732782-C-T. GRCh37 (hg19) VCF-style: chrX-43592029-C-T.
Other names: c.640C>T, p.Pro214Ser (NM_001270458.2); c.1039C>T (NM_000240.2); short protein forms P214S, P347S.
Identifiers: ClinVar variation 2633060 (VCV002633060.4), dbSNP rs2519161693, ClinGen allele CA413008832.

ClinVar aggregate classification (germline): Uncertain significance. Review status: criteria provided, multiple submitters, no conflicts (2 of 4 stars). 3 submissions from 3 submitters: Uncertain significance (3). Last evaluated 2026-01-14.

Conditions:
Brunner syndrome (BRNRS). Identifiers: Orphanet 3057, MedGen C0796275, MONDO:0010379, OMIM 300615.
Inborn genetic diseases. Identifiers: MedGen C0950123, MeSH D030342.
MAOA-related disorder. Also called: MAOA-related condition.

Allele frequency attached by ClinVar (database versions not stated): gnomAD exomes below 0.00001.
gnomAD v4.1: 2 of 1,201,840 alleles (0.00017%); highest among the groups gnomAD compares: Non-Finnish European, 0.00023%; no homozygotes.

Submissions (3):

Ambry Genetics
Classification: Uncertain significance for Inborn genetic diseases. Last evaluated: 2026-01-14. Review status: criteria provided, single submitter. Criteria: Ambry Variant Classification Scheme 2023. Collection method: clinical testing. Allele origin: germline.

PreventionGenetics, part of Exact Sciences
Classification: Uncertain significance for MAOA-related condition. Last evaluated: 2023-05-08. Review status: criteria provided, single submitter. Criteria: ACMG Guidelines, 2015. Collection method: clinical testing. Allele origin: germline.
Comment: The MAOA c.1039C>T variant is predicted to result in the amino acid substitution p.Pro347Ser. To our knowledge, this variant has not been reported in the literature or in a large population database, indicating this variant is rare. At this time, the clinical significance of this variant is uncertain due to the absence of conclusive functional and genetic evidence.

Juno Genomics, Hangzhou Juno Genomics, Inc
Classification: Uncertain significance for Brunner syndrome. Review status: criteria provided, single submitter. Criteria: ACMG Guidelines, 2015. Collection method: clinical testing. Allele origin: germline.
Comment: Absent from controls (or at extremely low frequency if recessive) in Genome Aggregation Database.;Multiple lines of computational evidence support a deleterious effect on the gene or gene product.